The following is an entry in ClinVar:

NM_000286.3(PEX12):c.220T>C (p.Tyr74His)

Gene: PEX12 (peroxisomal biogenesis factor 12; minus strand). Cytogenetic location: 17q12.
Variant type: single nucleotide variant.
Coding change: c.220T>C on transcript NM_000286.3 (MANE Select); coding-DNA position 220, T replaced by C.
Protein change: p.Tyr74His; replaces tyrosine 74 with histidine.
Molecular consequence: missense variant.
Genome position (GRCh38, 1-based): chr17:35,577,498, A>G on the plus strand (T>C on the coding strand, the complement: PEX12 is on the minus strand). VCF-style: chr17-35577498-A-G. GRCh37 (hg19) VCF-style: chr17-33904517-A-G.
Other names: short protein forms Y74H.
Identifiers: ClinVar variation 2152623 (VCV002152623.1), dbSNP rs1338150524, ClinGen allele CA399138601.

ClinVar aggregate classification (germline): Uncertain significance (1 of 4 stars; one submission).

Conditions:
Peroxisome biogenesis disorder 3A (Zellweger). Also called: PEROXISOMAL BIOGENESIS DISORDER 3A (ZELLWEGER); Peroxisome biogenesis disorder 3A. Identifiers: Orphanet 912, MedGen C3553929, MONDO:0013927, OMIM 614859.

Allele frequency attached by ClinVar (database versions not stated): gnomAD exomes below 0.00001.

Submission:

Labcorp Genetics (formerly Invitae), Labcorp
Classification: Uncertain significance for Peroxisome biogenesis disorder 3A (Zellweger). Last evaluated: 2022-10-18. Review status: criteria provided, single submitter. Criteria: Invitae Variant Classification Sherloc (09022015). Collection method: clinical testing. Allele origin: germline.
Comment: This sequence change replaces tyrosine, which is neutral and polar, with histidine, which is basic and polar, at codon 74 of the PEX12 protein (p.Tyr74His). This variant is present in population databases (no rsID available, gnomAD no frequency). This variant has not been reported in the literature in individuals affected with PEX12-related conditions. Advanced modeling of protein sequence and biophysical properties (such as structural, functional, and spatial information, amino acid conservation, physicochemical variation, residue mobility, and thermodynamic stability) performed at Invitae indicates that this missense variant is not expected to disrupt PEX12 protein function. In summary, the available evidence is currently insufficient to determine the role of this variant in disease. Therefore, it has been classified as a Variant of Uncertain Significance.